The following is an entry in ClinVar:

ClinVar aggregate classification (germline): Pathogenic/Likely pathogenic. Review status: criteria provided, multiple submitters, no conflicts (2 of 4 stars). 6 submissions from 6 submitters: Pathogenic (4); Likely pathogenic (2). Last evaluated 2025-12-24.

Conditions:
Cardiovascular phenotype. Identifiers: MedGen CN230736.
TTN-related disorder. Also called: TTN-related condition; TTN-related disease; TTN-related disorders.
Autosomal recessive limb-girdle muscular dystrophy type 2J (LGMDR10). Also called: MUSCULAR DYSTROPHY, LIMB-GIRDLE, AUTOSOMAL RECESSIVE 10; Limb-girdle muscular dystrophy, type 2J. Identifiers: Orphanet 140922, MedGen C1837342, MONDO:0012127, OMIM 608807.
Dilated cardiomyopathy 1G (CMD1G). Identifiers: Orphanet 154, MedGen C1858763, MONDO:0011400, OMIM 604145.
Early-onset myopathy with fatal cardiomyopathy (CMYO5). Also called: CONGENITAL MYOPATHY 5 WITH CARDIOMYOPATHY; Salih Myopathy. Identifiers: Orphanet 289377, MedGen C2673677, MONDO:0012714, OMIM 611705. Disease mechanism: loss of function.
Myopathy, myofibrillar, 9, with early respiratory failure (MFM9). Also called: EDSTROM MYOPATHY; Hereditary myopathy with early respiratory failure; MYOPATHY, PROXIMAL, WITH EARLY RESPIRATORY MUSCLE INVOLVEMENT; Myopathy, distal, with early respiratory failure, autosomal dominant. Identifiers: Orphanet 178464, Orphanet 34521, MedGen C1863599, MONDO:0011362, OMIM 603689.
Tibial muscular dystrophy (TMD). Also called: Tibial muscular dystrophy, tardive; Udd Distal Myopathy – Tibial Muscular Dystrophy; UDD MYOPATHY. Identifiers: Orphanet 609, MedGen C1838244, MONDO:0010870, OMIM 600334.
Hypertrophic cardiomyopathy 9. Also called: Familial hypertrophic cardiomyopathy 9. Identifiers: MedGen C1861065, MONDO:0013412, OMIM 613765.
Cardiomyopathy (CMYO). Also called: Cardiomyopathies. Identifiers: Orphanet 167848, MedGen C0878544, MONDO:0004994, HP:0001638. Inheritance: Various modes of inheritance.

Submissions (6):

Labcorp Genetics (formerly Invitae), Labcorp
Classification: Pathogenic for Dilated cardiomyopathy 1G; Autosomal recessive limb-girdle muscular dystrophy type 2J. Last evaluated: 2025-12-24. Review status: criteria provided, single submitter. Criteria: Invitae Variant Classification Sherloc (09022015). Collection method: clinical testing. Allele origin: germline.
Comment: This sequence change creates a premature translational stop signal (p.Arg28796Glnfs*5) in the TTN gene. While this is not anticipated to result in nonsense mediated decay, it is expected to create a truncated TTN protein. This variant is not present in population databases (gnomAD no frequency). This premature translational stop signal has been observed in individual(s) with clinical features of autosomal recessive TTN-related conditions (internal data). In at least one individual the data is consistent with being in trans (on the opposite chromosome) from a pathogenic variant. ClinVar contains an entry for this variant (Variation ID: 202482). This variant is located in the A band of TTN (PMID: 25589632). Truncating variants in this region are significantly overrepresented in patients affected with dilated cardiomyopathy (PMID: 25589632). Truncating variants in this region have also been reported in individuals affected with autosomal recessive centronuclear myopathy (PMID: 23975875). For these reasons, this variant has been classified as Pathogenic.

Ambry Genetics
Classification: Likely pathogenic for Cardiovascular phenotype. Last evaluated: 2024-09-04. Review status: criteria provided, single submitter. Criteria: Ambry Variant Classification Scheme 2023. Collection method: clinical testing. Allele origin: germline.
Comment: The c.59192_59196delGTACT variant, located in coding exon 153 of the TTN gene, results from a deletion of 5 nucleotides at nucleotide positions 59192 to 59196, causing a translational frameshift with a predicted alternate stop codon (p.R19731Qfs*5). This exon is located in the A-band region of the N2-B isoform of the titin protein and is constitutively expressed in TTN transcripts (percent spliced in or PSI 100%). This variant is considered to be rare based on population cohorts in the Genome Aggregation Database (gnomAD). This alteration is expected to result in loss of function by premature protein truncation or nonsense-mediated mRNA decay. While truncating variants in TTN are present in 1-3% of the general population, truncating variants in the A-band are the most common cause of dilated cardiomyopathy (DCM) (Herman DS et al. N. Engl. J. Med., 2012 Feb;366:619-28; Roberts AM et al. Sci Transl Med, 2015 Jan;7:270ra6). TTN truncating variants encoded in constitutive exons (PSI >90%) have been found to be significantly associated with DCM regardless of their position in titin (Schafer S et al. Nat. Genet., 2017 01;49:46-53). Based on the majority of available evidence to date, this variant is likely to be pathogenic.

GeneDx
Classification: Pathogenic. Last evaluated: 2024-03-18. Review status: criteria provided, single submitter. Criteria: GeneDx Variant Classification Process June 2021. Collection method: clinical testing. Allele origin: germline. Affected: yes.
Comment: Frameshift variant predicted to result in protein truncation or nonsense mediated decay in a gene for which loss of function is a known mechanism of disease; Located in the A-band region of TTN in which the majority of loss of function variants have been associated with autosomal dominant titinopathies (PMID: 22335739); Not observed at significant frequency in large population cohorts (gnomAD); Has not been previously published as pathogenic or benign to our knowledge; This variant is associated with the following publications: (PMID: 22335739)

Institute of Human Genetics, Heidelberg University
Classification: Pathogenic for Dilated cardiomyopathy 1G; Hypertrophic cardiomyopathy 9; Autosomal recessive limb-girdle muscular dystrophy type 2J; Myopathy, myofibrillar, 9, with early respiratory failure; Early-onset myopathy with fatal cardiomyopathy; Tibial muscular dystrophy. Last evaluated: 2023-12-11. Review status: criteria provided, single submitter. Criteria: ACMG Guidelines, 2015. Collection method: clinical testing. Allele origin: paternal. Affected: no.

Blueprint Genetics
Classification: Likely pathogenic for TTN-related disorders. Last evaluated: 2020-07-29. Review status: criteria provided, single submitter. Criteria: ACMG Guidelines, 2015. Collection method: clinical testing. Allele origin: germline. Affected: yes. Observed: 1 variant allele.

CHEO Genetics Diagnostic Laboratory, Children's Hospital of Eastern Ontario
Classification: Pathogenic for Cardiomyopathy. Last evaluated: 2017-10-27. Review status: criteria provided, single submitter. Criteria: ACMG Guidelines, 2015. Collection method: clinical testing. Allele origin: germline. Study: Canadian Open Genetics Repository.

Literature cited by the submitters: PubMed 25589632 (cited by Labcorp Genetics (formerly Invitae), Labcorp); PubMed 23975875 (cited by Labcorp Genetics (formerly Invitae), Labcorp).

NM_001267550.2(TTN):c.86387_86391del (p.Arg28796fs)

Genes: TTN (titin; minus strand), TTN-AS1 (TTN antisense RNA 1; plus strand). Cytogenetic location: 2q31.2.
Variant type: Deletion.
Coding change: c.86387_86391del on transcript NM_001267550.2 (MANE Select); coding-DNA positions 86387 to 86391, 5 bases deleted (GTACT; older notation c.86387_86391delGTACT).
Protein change: p.Arg28796fs; shifts the reading frame from arginine 28796.
Molecular consequence: frameshift variant.
Genome position (GRCh38, 1-based): chr2:178,559,741-178,559,745, AGTAC deleted on the plus strand (GTACT on the coding strand, the reverse complement: TTN is on the minus strand). VCF-style (leftmost placement, unchanged base first): chr2-178559740-TAGTAC-T. GRCh37 (hg19) VCF-style: chr2-179424467-TAGTAC-T.
Other names: c.86387_86391del (NM_001267550.1); c.59192_59196del, p.Arg19731fs (NM_003319.4); c.78683_78687del, p.Arg26228fs (NM_133378.4); c.59567_59571del, p.Arg19856fs (NM_133432.3); c.59768_59772del, p.Arg19923fs (NM_133437.4); c.81464_81468delGTACT (NM_001256850.1); c.59192_59196delGTACT (NM_003319.4); short protein forms R19856fs, R19923fs, R26228fs, R19731fs, R28796fs.
Identifiers: ClinVar variation 202482 (VCV000202482.15), dbSNP rs794729354, ClinGen allele CA309445.